The following is an entry in ClinVar:

NM_000067.3(CA2):c.183C>T (p.Asn61=)

Gene: CA2 (carbonic anhydrase 2; plus strand). Cytogenetic location: 8q21.2.
Variant type: single nucleotide variant.
Coding change: c.183C>T on transcript NM_000067.3 (MANE Select); coding-DNA position 183, C replaced by T.
Protein change: p.Asn61=; no amino-acid change (asparagine 61 retained).
Molecular consequence: synonymous variant. On other transcripts: 5 prime UTR variant (1).
Genome position (GRCh38, 1-based): chr8:85,465,420, C>T. VCF-style: chr8-85465420-C-T. GRCh37 (hg19) VCF-style: chr8-86377649-C-T.
Other names: c.-2C>T (NM_001293675.2, NM_001293675.1).
Identifiers: ClinVar variation 742307 (VCV000742307.10), dbSNP rs923773110, ClinGen allele CA180248658.

ClinVar aggregate classification (germline): Likely benign. Review status: criteria provided, single submitter (1 of 4 stars). 2 submissions from 2 submitters: Likely benign (1). 1 of the submissions does not count toward it. Last evaluated 2025-11-30.

Conditions:
CA2-related disorder. Also called: CA2-related condition.

Allele frequency attached by ClinVar (database versions not stated): gnomAD exomes 0.00001; gnomAD 0.00006 and 0.00008; TOPMed 0.00023.
gnomAD v4.1: 21 of 1,614,086 alleles (0.0013%); highest among the groups gnomAD compares: Admixed American, 0.028%; no homozygotes.

Submissions (2):

Labcorp Genetics (formerly Invitae), Labcorp
Classification: Likely benign. Last evaluated: 2025-11-30. Review status: criteria provided, single submitter. Criteria: Invitae Variant Classification Sherloc (09022015). Collection method: clinical testing. Allele origin: germline.

PreventionGenetics, part of Exact Sciences
Classification: Likely benign for CA2-related condition. Last evaluated: 2024-06-17. Review status: no assertion criteria provided. Collection method: clinical testing. Allele origin: germline. Not counted in ClinVar's aggregate classification.
Comment: This variant is classified as likely benign based on ACMG/AMP sequence variant interpretation guidelines (Richards et al. 2015 PMID: 25741868, with internal and published modifications).